The following is an entry in ClinVar:

ClinVar aggregate classification (germline): Uncertain significance (1 of 4 stars; one submission).

Conditions:
Hereditary cancer-predisposing syndrome. Also called: Neoplastic Syndromes, Hereditary; Hereditary neoplastic syndrome; Tumor predisposition; Hereditary Cancer Syndrome. Identifiers: Orphanet 140162, MedGen C0027672, MeSH D009386, MONDO:0015356.

Submission:

Labcorp Genetics (formerly Invitae), Labcorp
Classification: Uncertain significance for Hereditary cancer-predisposing syndrome. Last evaluated: 2023-08-22. Review status: criteria provided, single submitter. Criteria: Invitae Variant Classification Sherloc (09022015). Collection method: clinical testing. Allele origin: germline.
Comment: In summary, the available evidence is currently insufficient to determine the role of this variant in disease. Therefore, it has been classified as a Variant of Uncertain Significance. Advanced modeling of protein sequence and biophysical properties (such as structural, functional, and spatial information, amino acid conservation, physicochemical variation, residue mobility, and thermodynamic stability) performed at Invitae indicates that this missense variant is not expected to disrupt RAD50 protein function. This variant has not been reported in the literature in individuals affected with RAD50-related conditions. This variant is not present in population databases (gnomAD no frequency). This sequence change replaces glutamic acid, which is acidic and polar, with glycine, which is neutral and non-polar, at codon 362 of the RAD50 protein (p.Glu362Gly).

NM_005732.4(RAD50):c.1085A>G (p.Glu362Gly)

Gene: RAD50 (RAD50 double strand break repair protein; plus strand). Cytogenetic location: 5q31.1.
Variant type: single nucleotide variant.
Coding change: c.1085A>G on transcript NM_005732.4 (MANE Select); coding-DNA position 1085, A replaced by G.
Protein change: p.Glu362Gly; replaces glutamic acid 362 with glycine.
Molecular consequence: missense variant.
Genome position (GRCh38, 1-based): chr5:132,588,720, A>G. VCF-style: chr5-132588720-A-G. GRCh37 (hg19) VCF-style: chr5-131924412-A-G.
Other names: short protein forms E362G.
Identifiers: ClinVar variation 2890583 (VCV002890583.3), dbSNP rs2479634397, ClinGen allele CA360942199.
Genomic context (GRCh38, chr5:132,588,720, plus strand): 5'-AAAATTATGAGATTTTTTTTTTAAAAGGTCGTCTACAGCTGCAAGCAGATCGCCATCAAG[A>G]ACATATCCGAGCTAGAGATTCATTAATTCAGTCTTTGGCAACACAGCTAGAATTGGATGG-3'
Protein context (NP_005723.2, residues 352-372): RLQLQADRHQ[Glu362Gly]HIRARDSLIQ